The following is an entry in ClinVar:

NM_000080.4(CHRNE):c.1291G>T (p.Ala431Ser)

Gene: CHRNE (cholinergic receptor nicotinic epsilon subunit; minus strand). Cytogenetic location: 17p13.2.
Variant type: single nucleotide variant.
Coding change: c.1291G>T on transcript NM_000080.4 (MANE Select); coding-DNA position 1291, G replaced by T.
Protein change: p.Ala431Ser; replaces alanine 431 with serine.
Molecular consequence: missense variant.
Genome position (GRCh38, 1-based): chr17:4,899,036, C>A on the plus strand (G>T on the coding strand, the complement: CHRNE is on the minus strand). VCF-style: chr17-4899036-C-A. GRCh37 (hg19) VCF-style: chr17-4802331-C-A.
Other names: short protein forms A431S.
Identifiers: ClinVar variation 1433037 (VCV001433037.5), dbSNP rs121909517, ClinGen allele CA8313901.

ClinVar aggregate classification (germline): Uncertain significance (1 of 4 stars; one submission).

Conditions:
Congenital myasthenic syndrome 4A. Also called: MYASTHENIC SYNDROME, CONGENITAL, 4A, SLOW-CHANNEL, AUTOSOMAL RECESSIVE; CONGENITAL MYASTHENIC SYNDROME TYPE Ia1; Myasthenic syndrome, congenital, 4a, slow-channel. Identifiers: Orphanet 590, MedGen C4225413, MONDO:0011600, OMIM 605809.

Submission:

Labcorp Genetics (formerly Invitae), Labcorp
Classification: Uncertain significance for Congenital myasthenic syndrome 4A. Last evaluated: 2021-09-07. Review status: criteria provided, single submitter. Criteria: Invitae Variant Classification Sherloc (09022015). Collection method: clinical testing. Allele origin: germline.
Comment: This sequence change replaces alanine with serine at codon 431 of the CHRNE protein (p.Ala431Ser). The alanine residue is moderately conserved and there is a moderate physicochemical difference between alanine and serine. This variant is present in population databases (rs121909517, ExAC 0.002%). This variant has not been reported in the literature in individuals affected with CHRNE-related conditions. Algorithms developed to predict the effect of missense changes on protein structure and function are either unavailable or do not agree on the potential impact of this missense change (SIFT: "Tolerated"; PolyPhen-2: "Possibly Damaging"; Align-GVGD: "Class C0"). This variant disrupts the p.Ala431 amino acid residue in CHRNE. Other variant(s) that disrupt this residue have been determined to be pathogenic (PMID: 10962020). This suggests that this residue is clinically significant, and that variants that disrupt this residue are likely to be disease-causing. In summary, the available evidence is currently insufficient to determine the role of this variant in disease. Therefore, it has been classified as a Variant of Uncertain Significance.

Literature cited by the submitters: PubMed 10962020.